The following is an entry in ClinVar:

NM_001363118.2(SLC52A2):c.52C>G (p.Leu18Val)

Gene: SLC52A2 (solute carrier family 52 member 2; plus strand). Cytogenetic location: 8q24.3.
Variant type: single nucleotide variant.
Coding change: c.52C>G on transcript NM_001363118.2 (MANE Select); coding-DNA position 52, C replaced by G.
Protein change: p.Leu18Val; replaces leucine 18 with valine.
Molecular consequence: missense variant.
Genome position (GRCh38, 1-based): chr8:144,359,345, C>G. VCF-style: chr8-144359345-C-G. GRCh37 (hg19) VCF-style: chr8-145583005-C-G.
Other names: c.52C>G, p.Leu18Val (NM_001253815.2, NM_001253816.2, NM_001363120.2 and 10 more transcripts); short protein forms L18V.
Identifiers: ClinVar variation 4739009 (VCV004739009.1).

ClinVar aggregate classification (germline): Uncertain significance (1 of 4 stars; one submission).

Conditions:
Brown-Vialetto-van Laere syndrome 2. Also called: Riboflavin transporter deficiency type 2; SPINOCEREBELLAR ATAXIA WITH BLINDNESS AND DEAFNESS 2. Identifiers: Orphanet 572543, Orphanet 97229, MedGen C3553538, MONDO:0013867, OMIM 614707.

gnomAD v4.1: 6 of 1,614,016 alleles (0.00037%); highest among the groups gnomAD compares: South Asian, 0.0022%; no homozygotes.

Submission:

Labcorp Genetics (formerly Invitae), Labcorp
Classification: Uncertain significance for Brown-Vialetto-van Laere syndrome 2. Last evaluated: 2025-06-25. Review status: criteria provided, single submitter. Criteria: Invitae Variant Classification Sherloc (09022015). Collection method: clinical testing. Allele origin: germline.
Comment: This sequence change replaces leucine, which is neutral and non-polar, with valine, which is neutral and non-polar, at codon 18 of the SLC52A2 protein (p.Leu18Val). This variant is present in population databases (rs782276876, gnomAD 0.003%). This variant has not been reported in the literature in individuals affected with SLC52A2-related conditions. Invitae Evidence Modeling of protein sequence and biophysical properties (such as structural, functional, and spatial information, amino acid conservation, physicochemical variation, residue mobility, and thermodynamic stability) has been performed for this missense variant. However, the output from this modeling did not meet the statistical confidence thresholds required to predict the impact of this variant on SLC52A2 protein function. In summary, the available evidence is currently insufficient to determine the role of this variant in disease. Therefore, it has been classified as a Variant of Uncertain Significance.